The following is an entry in ClinVar:

NM_024422.6(DSC2):c.2126-11T>C

Gene: DSC2 (desmocollin 2; minus strand). Cytogenetic location: 18q12.1.
Variant type: single nucleotide variant.
Coding change: c.2126-11T>C on transcript NM_024422.6 (MANE Select); 11 bases into the intron before coding-DNA position 2126, T replaced by C.
Molecular consequence: intron variant.
Genome position (GRCh38, 1-based): chr18:31,070,861, A>G on the plus strand (T>C on the coding strand, the complement: DSC2 is on the minus strand). VCF-style: chr18-31070861-A-G. GRCh37 (hg19) VCF-style: chr18-28650827-A-G.
Other names: c.2126-11T>C (NM_004949.5).
Identifiers: ClinVar variation 891342 (VCV000891342.10), dbSNP rs1283105269, ClinGen allele CA778393371.
Genomic context (GRCh38, chr18:31,070,861, plus strand): 5'-TGGTTGTTTAGACGTCCCAGAAGCCCCACAGACCAGCGTAAACAGGATGCCTGGAGGAAG[A>G]AAGAAATATACTTGAGTTTATCATAAAATAATATGAAGTTATAAATGTACAATGGTTAAT-3'

ClinVar aggregate classification (germline): Conflicting classifications of pathogenicity. Review status: criteria provided, conflicting classifications (1 of 4 stars). 4 submissions from 4 submitters: Uncertain significance (1); Likely benign (3). Last evaluated 2025-08-09.

Conditions:
Familial isolated arrhythmogenic right ventricular dysplasia. Identifiers: Orphanet 217656, MedGen C4274968, MONDO:0016342.
Cardiomyopathy (CMYO). Also called: Cardiomyopathies. Identifiers: Orphanet 167848, MedGen C0878544, MONDO:0004994, HP:0001638. Inheritance: Various modes of inheritance.
Arrhythmogenic right ventricular dysplasia 11. Also called: ARRHYTHMOGENIC RIGHT VENTRICULAR DYSPLASIA, FAMILIAL, 11; Arrhythmogenic Right Ventricular Dysplasia/Cardiomyopathy11; Arrhythmogenic right ventricular dysplasia 11 with mild palmoplantar keratoderma and woolly hair. Identifiers: MedGen C1864850, MONDO:0012506, OMIM 610476.

Allele frequency attached by ClinVar (database versions not stated): TOPMed below 0.00001; gnomAD 0.00001; gnomAD exomes 0.00001.
gnomAD v4.1: 13 of 1,613,368 alleles (0.00081%); highest among the groups gnomAD compares: Non-Finnish European, 0.0011%; no homozygotes.

Submissions (4):

Labcorp Genetics (formerly Invitae), Labcorp
Classification: Likely benign for Arrhythmogenic right ventricular dysplasia 11. Last evaluated: 2025-08-09. Review status: criteria provided, single submitter. Criteria: Invitae Variant Classification Sherloc (09022015). Collection method: clinical testing. Allele origin: germline.

All of Us Research Program, National Institutes of Health
Classification: Likely benign for Familial isolated arrhythmogenic right ventricular dysplasia. Last evaluated: 2023-02-24. Review status: criteria provided, single submitter. Criteria: ACMG Guidelines, 2015. Collection method: clinical testing. Allele origin: germline. Inheritance: Autosomal dominant inheritance. Observed: 1 variant allele, 1 heterozygote.
Comment: This study involves interpretation of variants in research participants for the purpose of population health screening. Participant phenotype was not available at the time of variant classification. Additional details can be found in publication PMID: 35346344, PMCID: PMC8962531

Color Diagnostics, LLC DBA Color Health
Classification: Likely benign for Cardiomyopathy. Last evaluated: 2022-11-08. Review status: criteria provided, single submitter. Criteria: ACMG Guidelines, 2015. Collection method: clinical testing. Allele origin: germline.

Illumina Laboratory Services, Illumina
Classification: Uncertain significance for Arrhythmogenic right ventricular dysplasia 11. Last evaluated: 2018-01-13. Review status: criteria provided, single submitter. Criteria: ICSL Variant Classification Criteria 13 December 2019. Collection method: clinical testing. Allele origin: germline.